The following is an entry in ClinVar:

ClinVar aggregate classification (germline): Pathogenic. Review status: criteria provided, multiple submitters, no conflicts (2 of 4 stars). 5 submissions from 5 submitters: Pathogenic (4). 1 of the submissions does not count toward it. Last evaluated 2025-08-13.

Conditions:
PANK2-related disorder. Also called: PANK2-related condition.
Pigmentary pallidal degeneration (NBIA1). Also called: Pantothenate Kinase-Associated Neurodegeneration; Neuroaxonal dystrophy, late infantile; Hallervorden-Spatz disease; Neurodegeneration with brain iron accumulation 1; HARP SYNDROME; PKAN NEUROAXONAL DYSTROPHY, JUVENILE-ONSET. Identifiers: Orphanet 157850, MedGen C0018523, MONDO:0009319, OMIM 234200.

Allele frequency attached by ClinVar (database versions not stated): gnomAD exomes 0.00001 and 0.00002; gnomAD 0.00002 and 0.00003; TOPMed 0.00002.
gnomAD v4.1: 21 of 1,613,848 alleles (0.0013%); highest among the groups gnomAD compares: South Asian, 0.0066%; no homozygotes.

Submissions (5):

GeneDx
Classification: Pathogenic. Last evaluated: 2025-08-13. Review status: criteria provided, single submitter. Criteria: GeneDx Variant Classification Process June 2021. Collection method: clinical testing. Allele origin: germline. Affected: yes.
Comment: Nonsense variant predicted to result in protein truncation or nonsense mediated decay in a gene for which loss of function is a known mechanism of disease; Not observed at significant frequency in large population cohorts (gnomAD); Also known as c.1051 C>T p.R341X (PMID: 11479594); This variant is associated with the following publications: (PMID: 25525159, 26828213, 15911822, 21480873, 24209433, 12510040, 24348190, 11479594, 37904482, 31964843, 22103354)

Blueprint Genetics
Classification: Pathogenic for PANK2-related disorders. Last evaluated: 2024-10-02. Review status: criteria provided, single submitter. Criteria: ACMG Guidelines, 2015. Collection method: clinical testing. Allele origin: germline. Affected: yes. Observed: 3 variant alleles.

Labcorp Genetics (formerly Invitae), Labcorp
Classification: Pathogenic for Pigmentary pallidal degeneration. Last evaluated: 2024-03-28. Review status: criteria provided, single submitter. Criteria: Invitae Variant Classification Sherloc (09022015). Collection method: clinical testing. Allele origin: germline.
Comment: This sequence change creates a premature translational stop signal (p.Arg451*) in the PANK2 gene. It is expected to result in an absent or disrupted protein product. Loss-of-function variants in PANK2 are known to be pathogenic (PMID: 11479594, 12510040). This variant is present in population databases (no rsID available, gnomAD 0.006%). This premature translational stop signal has been observed in individual(s) with neurodegeneration with brain iron accumulation (PMID: 11479594). This variant is also known as R341X. ClinVar contains an entry for this variant (Variation ID: 667397). For these reasons, this variant has been classified as Pathogenic.

Laboratory for Molecular Medicine, Mass General Brigham Personalized Medicine
Classification: Pathogenic for Pigmentary pallidal degeneration. Last evaluated: 2018-11-12. Review status: criteria provided, single submitter. Criteria: LMM Criteria. Collection method: clinical testing. Allele origin: germline. Inheritance: Autosomal recessive inheritance. Observed: 1 variant allele.
Comment: The p.Arg451X variant in PANK2 has been reported in the homozygous or compound h eterozygous state in at least 5 individuals with features of pantothenate kinase -associated neurodegeneration (PKAN; Zhou 2001, Hayflick 2003, Pellecchia 2012, Lim 2012, Bijarnia-Mahay 2013, Udani 2016). It has also been identified in 0.007 % (2/30616) of South Asian chromosomes by the Genome Aggregation Database (gnomA D); however this frequency is low enough to be consistent with a recessive carrier frequency. This nonsense variant leads to a premature termination codon at position 451, which is predicted to lead to a tr uncated or absent protein. Loss of function of the PANK2 gene is an established disease mechanism in autosomal recessive PKAN. In summary, this variant meets cr iteria to be classified as pathogenic for autosomal recessive PKAN. ACMG/AMP Cri teria applied: PVS1, PM2, PM3

GeneReviews
No classification provided. Condition: Pigmentary pallidal degeneration. Review status: no classification provided. Collection method: literature only. Allele origin: germline. Not counted in ClinVar's aggregate classification.

Literature cited by the submitters: PubMed 11479594 (cited by Labcorp Genetics (formerly Invitae), Labcorp and Laboratory for Molecular Medicine, Mass General Brigham Personalized Medicine); PubMed 12510040 (cited by Labcorp Genetics (formerly Invitae), Labcorp and Laboratory for Molecular Medicine, Mass General Brigham Personalized Medicine); PubMed 24209433 (cited by Laboratory for Molecular Medicine, Mass General Brigham Personalized Medicine); PubMed 24348190 (cited by Laboratory for Molecular Medicine, Mass General Brigham Personalized Medicine); PubMed 21480873 (cited by Laboratory for Molecular Medicine, Mass General Brigham Personalized Medicine); PubMed 26828213 (cited by Laboratory for Molecular Medicine, Mass General Brigham Personalized Medicine); PubMed 22103354 (cited by Laboratory for Molecular Medicine, Mass General Brigham Personalized Medicine); PubMed 15911822 (cited by Laboratory for Molecular Medicine, Mass General Brigham Personalized Medicine); NCBI Bookshelf NBK1490 (cited by GeneReviews).

NM_001386393.1(PANK2):c.1021C>T (p.Arg341Ter)

Gene: PANK2 (pantothenate kinase 2; plus strand). Cytogenetic location: 20p13.
Variant type: single nucleotide variant.
Coding change: c.1021C>T on transcript NM_001386393.1 (MANE Select); coding-DNA position 1021, C replaced by T.
Protein change: p.Arg341Ter; replaces arginine 341 with a stop codon.
Molecular consequence: nonsense. On other transcripts: non-coding transcript variant (1).
Genome position (GRCh38, 1-based): chr20:3,912,573, C>T. VCF-style: chr20-3912573-C-T. GRCh37 (hg19) VCF-style: chr20-3893220-C-T.
Other names: 1021C>T; Arg341Ter; c.478C>T, p.Arg160Ter (NM_001324191.2, NM_024960.6, NM_153640.4); c.43C>T, p.Arg15Ter (NM_001324193.2); c.1351C>T, p.Arg451Ter (NM_153638.4); short protein forms R15*, R160*, R451*, R341*.
Identifiers: ClinVar variation 667397 (VCV000667397.13), dbSNP rs1250997630, ClinGen allele CA408117730.